The following is an entry in ClinVar:

ClinVar aggregate classification (germline): Pathogenic. Review status: criteria provided, multiple submitters, no conflicts (2 of 4 stars). 3 submissions from 3 submitters: Pathogenic (2). 1 of the submissions does not count toward it. Last evaluated 2024-02-17.

Conditions:
X-linked lymphoproliferative disease due to SH2D1A deficiency (XLP1). Also called: SH2D1A-Related Lymphoproliferative Disease, X-Linked; DUNCAN DISEASE; IMMUNODEFICIENCY 5; IMMUNODEFICIENCY, X-LINKED PROGRESSIVE COMBINED VARIABLE; INFECTIOUS MONONUCLEOSIS, SEVERE, SUSCEPTIBILITY TO; PURTILO SYNDROME. Identifiers: Orphanet 2442, Orphanet 538931, MedGen C5399825, MONDO:0024551, OMIM 308240.

Submissions (4):

Labcorp Genetics (formerly Invitae), Labcorp
Classification: Pathogenic for X-linked lymphoproliferative disease due to SH2D1A deficiency. Last evaluated: 2024-02-17. Review status: criteria provided, single submitter. Criteria: Invitae Variant Classification Sherloc (09022015). Collection method: clinical testing. Allele origin: germline.
Comment: This sequence change affects an acceptor splice site in intron 1 of the SH2D1A gene. It is expected to disrupt RNA splicing. Variants that disrupt the donor or acceptor splice site typically lead to a loss of protein function (PMID: 16199547), and loss-of-function variants in SH2D1A are known to be pathogenic (PMID: 9771704, 11049992, 15711562). This variant is not present in population databases (gnomAD no frequency). Disruption of this splice site has been observed in individual(s) with EBV-associated lymphoproliferation (PMID: 24616127). Algorithms developed to predict the effect of sequence changes on RNA splicing suggest that this variant may disrupt the consensus splice site. For these reasons, this variant has been classified as Pathogenic.

GeneDx
Classification: Pathogenic. Last evaluated: 2024-01-17. Review status: criteria provided, single submitter. Criteria: GeneDx Variant Classification Process June 2021. Collection method: clinical testing. Allele origin: germline. Affected: yes.
Comment: Canonical splice site variant predicted to result in a null allele in a gene for which loss of function is a known mechanism of disease; Not observed at significant frequency in large population cohorts (gnomAD); This variant is associated with the following publications: (PMID: 24616127)

Molecular Genetics Laboratory, BC Children's and BC Women's Hospitals
Classification: Pathogenic for X-linked lymphoproliferative disease due to SH2D1A deficiency. Last evaluated: 2025-01-22. Review status: no assertion criteria provided. Criteria: ACMG Guidelines, 2015. Collection method: clinical testing. Allele origin: maternal. Affected: yes. Not counted in ClinVar's aggregate classification.

Dr. Peter K. Rogan Lab, Western University
No classification provided (evidence only). Condition: Thyroid cancer, nonmedullary, 1. Review status: no classification provided. Collection method: in vitro. Allele origin: not applicable. Functional consequence: retained intron. Not counted in ClinVar's aggregate classification.

Literature cited by the submitters: PubMed 16199547 (cited by Labcorp Genetics (formerly Invitae), Labcorp); PubMed 9771704 (cited by Labcorp Genetics (formerly Invitae), Labcorp); PubMed 11049992 (cited by Labcorp Genetics (formerly Invitae), Labcorp); PubMed 15711562 (cited by Labcorp Genetics (formerly Invitae), Labcorp); PubMed 24616127 (cited by Labcorp Genetics (formerly Invitae), Labcorp).

NM_002351.5(SH2D1A):c.138-1G>A

Gene: SH2D1A (SH2 domain containing 1A; plus strand). Cytogenetic location: Xq25.
Variant type: single nucleotide variant.
Coding change: c.138-1G>A on transcript NM_002351.5 (MANE Select); the canonical splice acceptor site of the intron before coding-DNA position 138, G replaced by A.
Molecular consequence: splice acceptor variant.
Genome position (GRCh38, 1-based): chrX:124,365,760, G>A. VCF-style: chrX-124365760-G-A. GRCh37 (hg19) VCF-style: chrX-123499610-G-A.
Other names: c.138-1G>A (NM_001114937.3).
Identifiers: ClinVar variation 2737364 (VCV002737364.6), dbSNP rs1603238847, ClinGen allele CA414123363.
Genomic context (GRCh38, chrX:124,365,760, plus strand): 5'-AATTTAAAGTATCCATTGTTCTTTTGGAATCTTTCAGTAATGGAAGTTTATTCTTTCACA[G>A]GTATCACGGTTACATTTATACATACCGAGTGTCCCAGACAGAAACAGGTTCTTGGAGTGC-3'